The following is an entry in ClinVar:

NM_020831.6(MRTFA):c.2027A>G (p.Lys676Arg)

Gene: MRTFA (myocardin related transcription factor A; minus strand). Cytogenetic location: 22q13.1.
Variant type: single nucleotide variant.
Coding change: c.2027A>G on transcript NM_020831.6 (MANE Select); coding-DNA position 2027, A replaced by G.
Protein change: p.Lys676Arg; replaces lysine 676 with arginine.
Molecular consequence: missense variant.
Genome position (GRCh38, 1-based): chr22:40,418,711, T>C on the plus strand (A>G on the coding strand, the complement: MRTFA is on the minus strand). VCF-style: chr22-40418711-T-C. GRCh37 (hg19) VCF-style: chr22-40814715-T-C.
Other names: c.1727A>G, p.Lys576Arg (NM_001282660.2); c.1877A>G, p.Lys626Arg (NM_001282661.3); c.2027A>G, p.Lys676Arg (NM_001282662.3); c.1832A>G, p.Lys611Arg (NM_001318139.2); short protein forms K576R, K611R, K626R, K676R.
Identifiers: ClinVar variation 1683001 (VCV001683001.8), dbSNP rs2147067299, ClinGen allele CA411658758.

ClinVar aggregate classification (germline): Uncertain significance (1 of 4 stars; one submission).

Submission:

Labcorp Genetics (formerly Invitae), Labcorp
Classification: Uncertain significance. Last evaluated: 2021-05-25. Review status: criteria provided, single submitter. Criteria: Invitae Variant Classification Sherloc (09022015). Collection method: clinical testing. Allele origin: germline.
Comment: Algorithms developed to predict the effect of missense changes on protein structure and function are either unavailable or do not agree on the potential impact of this missense change (SIFT: "Deleterious"; PolyPhen-2: "Probably Damaging"; Align-GVGD: "Class C0"). In summary, the available evidence is currently insufficient to determine the role of this variant in disease. Therefore, it has been classified as a Variant of Uncertain Significance. This variant has not been reported in the literature in individuals with MKL1-related conditions. The frequency data for this variant in the population databases is considered unreliable, as metrics indicate insufficient coverage at this position in the ExAC database. This sequence change replaces lysine with arginine at codon 576 of the MKL1 protein (p.Lys576Arg). The lysine residue is highly conserved and there is a small physicochemical difference between lysine and arginine.